The following is an entry in ClinVar:

ClinVar aggregate classification (germline): Uncertain significance. Review status: criteria provided, multiple submitters, no conflicts (2 of 4 stars). 2 submissions from 2 submitters: Uncertain significance (2). Last evaluated 2025-08-12.

Allele frequency attached by ClinVar (database versions not stated): gnomAD exomes below 0.00001.
gnomAD v4.1: 1 of 1,609,834 alleles (0.000062%); highest among the groups gnomAD compares: Non-Finnish European, 0.000085%; no homozygotes.

Submissions (2):

Ambry Genetics
Classification: Uncertain significance. Last evaluated: 2025-08-12. Review status: criteria provided, single submitter. Criteria: Ambry Variant Classification Scheme 2023. Collection method: clinical testing. Allele origin: germline.

Labcorp Genetics (formerly Invitae), Labcorp
Classification: Uncertain significance. Last evaluated: 2022-02-02. Review status: criteria provided, single submitter. Criteria: Invitae Variant Classification Sherloc (09022015). Collection method: clinical testing. Allele origin: germline.
Comment: Advanced modeling of protein sequence and biophysical properties (such as structural, functional, and spatial information, amino acid conservation, physicochemical variation, residue mobility, and thermodynamic stability) performed at Invitae indicates that this missense variant is expected to disrupt CACNA1B protein function. In summary, the available evidence is currently insufficient to determine the role of this variant in disease. Therefore, it has been classified as a Variant of Uncertain Significance. This variant has not been reported in the literature in individuals affected with CACNA1B-related conditions. This variant is not present in population databases (gnomAD no frequency). This sequence change replaces valine, which is neutral and non-polar, with glycine, which is neutral and non-polar, at codon 1199 of the CACNA1B protein (p.Val1199Gly).

NM_000718.4(CACNA1B):c.3596T>G (p.Val1199Gly)

Gene: CACNA1B (calcium voltage-gated channel subunit alpha1 B; plus strand). Cytogenetic location: 9q34.3.
Variant type: single nucleotide variant.
Coding change: c.3596T>G on transcript NM_000718.4 (MANE Select); coding-DNA position 3596, T replaced by G.
Protein change: p.Val1199Gly; replaces valine 1199 with glycine.
Molecular consequence: missense variant.
Genome position (GRCh38, 1-based): chr9:138,047,451, T>G. VCF-style: chr9-138047451-T-G. GRCh37 (hg19) VCF-style: chr9-140941903-T-G.
Other names: c.3596T>G, p.Val1199Gly (NM_001243812.2); c.3596T>G (NM_000718.3); short protein forms V1199G.
Identifiers: ClinVar variation 2091788 (VCV002091788.5), dbSNP rs2539430266, ClinGen allele CA375811923.